The following is an entry in ClinVar:

ClinVar aggregate classification (germline): Pathogenic/Likely pathogenic. Review status: criteria provided, multiple submitters, no conflicts (2 of 4 stars). 3 submissions from 3 submitters: Pathogenic (1); Likely pathogenic (2). Last evaluated 2024-12-24.

Conditions:
Malignant tumor of breast. Also called: Malignant breast neoplasm; Cancer breast. Identifiers: MedGen C0006142, MONDO:0007254. Disease mechanism: loss of function.
Familial cancer of breast. Also called: Hereditary breast cancer; hereditary breast carcinoma; BREAST CANCER, FAMILIAL. Identifiers: Orphanet 227535, MedGen C0346153, MONDO:0016419, OMIM 114480. Disease mechanism: loss of function.

Submissions (3):

Women's Health and Genetics/Laboratory Corporation of America, LabCorp
Classification: Likely pathogenic for Malignant tumor of breast. Last evaluated: 2024-12-24. Review status: criteria provided, single submitter. Criteria: LabCorp Variant Classification Summary - May 2015. Collection method: clinical testing. Allele origin: germline.
Comment: Variant summary: BARD1 c.2159_2172del14 (p.Val720GlufsX5) located in the last exon results in a premature termination codon, predicted to cause a truncation of the encoded protein due to escape from nonsense mediated decay (NMD). This variant disrupts the C-terminal BRCT domain of BARD1 protein, which is required for chromosome stability and homology-directed repair (PMID: 17848578). The variant was absent in 251356 control chromosomes. To our knowledge, no occurrence of c.2159_2172del14 in individuals affected with Breast Cancer and no experimental evidence demonstrating its impact on protein function have been reported. However, multiple downstream NMD escape variants with sufficient evidence of pathogenicity have been reported in affected individuals supporting a critical relevance of the BRCT domain to the function of BARD1 protein (example, c.2300_2301del, p.Val767fs). ClinVar contains an entry for this variant (Variation ID: 917586). Based on the evidence outlined above, the variant was classified as likely pathogenic.

Labcorp Genetics (formerly Invitae), Labcorp
Classification: Likely pathogenic for Familial cancer of breast. Last evaluated: 2024-02-14. Review status: criteria provided, single submitter. Criteria: Invitae Variant Classification Sherloc (09022015). Collection method: clinical testing. Allele origin: germline.
Comment: This sequence change creates a premature translational stop signal (p.Val720Glufs*5) in the BARD1 gene. While this is not anticipated to result in nonsense mediated decay, it is expected to disrupt the last 58 amino acid(s) of the BARD1 protein. This variant is not present in population databases (gnomAD no frequency). This variant has not been reported in the literature in individuals affected with BARD1-related conditions. ClinVar contains an entry for this variant (Variation ID: 917586). This variant disrupts the C-terminal BRCT domain of BARD1 protein, which is required for chromosome stability and homology-directed repair (PMID: 17848578). A different variant (p.Val767fs) that lies downstream of this variant has been reported to affect BARD1 protein function (PMID: 30925164), this suggests that disruption of this region of the protein is causative of disease. In summary, the currently available evidence indicates that the variant is pathogenic, but additional data are needed to prove that conclusively. Therefore, this variant has been classified as Likely Pathogenic.

Myriad Genetics, Inc.
Classification: Pathogenic for Familial cancer of breast. Last evaluated: 2023-05-25. Review status: criteria provided, single submitter. Criteria: Myriad Autosomal Dominant, Autosomal Recessive and X-Linked Classification Criteria (2023). Collection method: clinical testing. Allele origin: unknown.
Comment: This variant is considered pathogenic. This variant creates a frameshift predicted to result in premature protein truncation.

Literature cited by the submitters: PubMed 17848578 (cited by Labcorp Genetics (formerly Invitae), Labcorp); PubMed 30925164 (cited by Labcorp Genetics (formerly Invitae), Labcorp).

NM_000465.4(BARD1):c.2159_2172del (p.Val720fs)

Gene: BARD1 (BRCA1 associated RING domain 1; minus strand). Cytogenetic location: 2q35.
Variant type: Deletion.
Coding change: c.2159_2172del on transcript NM_000465.4 (MANE Select); coding-DNA positions 2159 to 2172, 14 bases deleted (TCGCATACCATGCG).
Protein change: p.Val720fs; shifts the reading frame from valine 720.
Molecular consequence: frameshift variant. On other transcripts: non-coding transcript variant (3).
Genome position (GRCh38, 1-based): chr2:214,728,838-214,728,851, CGCATGGTATGCGA deleted on the plus strand (TCGCATACCATGCG on the coding strand, the reverse complement: BARD1 is on the minus strand); deleting any 14 consecutive bases within chr2:214,728,838-214,728,852 gives the same sequence; the c. name uses the placement nearest the transcript's 3' end. VCF-style (leftmost placement, unchanged base first): chr2-214728837-TCGCATGGTATGCGA-T. GRCh37 (hg19) VCF-style: chr2-215593561-TCGCATGGTATGCGA-T.
Other names: c.2159_2172del14 (NM_000465.4); c.2102_2115del, p.Val701fs (NM_001282543.2); c.806_819del, p.Val269fs (NM_001282545.2); c.749_762del, p.Val250fs (NM_001282548.2); c.620_633del, p.Val207fs (NM_001282549.2); short protein forms V701fs, V269fs, V720fs, V207fs, V250fs.
Identifiers: ClinVar variation 917586 (VCV000917586.6), dbSNP rs1692211675, ClinGen allele CA1139657668.